The following is an entry in ClinVar:

ClinVar aggregate classification (germline): Uncertain significance (1 of 4 stars; one submission).

Conditions:
Vici syndrome (VICIS). Identifiers: Orphanet 1493, MedGen C1855772, MONDO:0009452, OMIM 242840.

Submission:

Labcorp Genetics (formerly Invitae), Labcorp
Classification: Uncertain significance for Vici syndrome. Last evaluated: 2021-08-14. Review status: criteria provided, single submitter. Criteria: Invitae Variant Classification Sherloc (09022015). Collection method: clinical testing. Allele origin: germline.
Comment: This sequence change replaces leucine with valine at codon 2141 of the EPG5 protein (p.Leu2141Val). The leucine residue is highly conserved and there is a small physicochemical difference between leucine and valine. This variant is not present in population databases (ExAC no frequency). This variant has not been reported in the literature in individuals affected with EPG5-related conditions. Algorithms developed to predict the effect of missense changes on protein structure and function are either unavailable or do not agree on the potential impact of this missense change (SIFT: "Deleterious"; PolyPhen-2: "Probably Damaging"; Align-GVGD: "Class C0"). In summary, the available evidence is currently insufficient to determine the role of this variant in disease. Therefore, it has been classified as a Variant of Uncertain Significance.

NM_020964.3(EPG5):c.6421T>G (p.Leu2141Val)

Gene: EPG5 (ectopic P-granules 5 autophagy tethering factor; minus strand). Cytogenetic location: 18q12.3.
Variant type: single nucleotide variant.
Coding change: c.6421T>G on transcript NM_020964.3 (MANE Select); coding-DNA position 6421, T replaced by G.
Protein change: p.Leu2141Val; replaces leucine 2141 with valine.
Molecular consequence: missense variant.
Genome position (GRCh38, 1-based): chr18:45,866,998, A>C on the plus strand (T>G on the coding strand, the complement: EPG5 is on the minus strand). VCF-style: chr18-45866998-A-C. GRCh37 (hg19) VCF-style: chr18-43446963-A-C.
Other names: short protein forms L2141V.
Identifiers: ClinVar variation 1450871 (VCV001450871.6), dbSNP rs2145270811, ClinGen allele CA402339412.